The following is an entry in ClinVar:

NM_006267.5(RANBP2):c.970T>G (p.Phe324Val)

Gene: RANBP2 (RAN binding protein 2; plus strand). Cytogenetic location: 2q13.
Variant type: single nucleotide variant.
Coding change: c.970T>G on transcript NM_006267.5 (MANE Select); coding-DNA position 970, T replaced by G.
Protein change: p.Phe324Val; replaces phenylalanine 324 with valine.
Molecular consequence: missense variant.
Genome position (GRCh38, 1-based): chr2:108,740,676, T>G. VCF-style: chr2-108740676-T-G. GRCh37 (hg19) VCF-style: chr2-109357132-T-G.
Other names: c.970T>G, p.Phe324Val (NM_001415871.1, NM_001415873.1); c.967T>G, p.Phe323Val (NM_001415872.1); short protein forms F323V, F324V.
Identifiers: ClinVar variation 3365156 (VCV003365156.2).

ClinVar aggregate classification (germline): Uncertain significance (1 of 4 stars; one submission).

Submission:

GeneDx
Classification: Uncertain significance. Last evaluated: 2024-11-28. Review status: criteria provided, single submitter. Criteria: GeneDx Variant Classification Process June 2021. Collection method: clinical testing. Allele origin: germline.
Comment: Not observed at significant frequency in large population cohorts (gnomAD); In silico analysis supports that this missense variant has a deleterious effect on protein structure/function; Has not been previously published as pathogenic or benign to our knowledge